The following is an entry in ClinVar:

ClinVar aggregate classification (germline): Pathogenic (1 of 4 stars; one submission).

Conditions:
Fetal anomalies with a likely genetic cause.

Submission:

Genetics Laboratory, Great Ormond Street Hospital NHS Foundation Trust, North Thames Genomic Laboratory Hub
Classification: Pathogenic for Fetal anomalies with a likely genetic cause. Last evaluated: 2026-07-24. Review status: criteria provided, single submitter. Criteria: ACGS Best Practice Guidelines for Variant Classification in Rare Disease 2024 v1.2. Collection method: clinical testing. Allele origin: germline. Affected: yes.
Comment: PM2_moderate, PVS1_very-strong

NM_000523.4(HOXD13):c.56_57del (p.Ala19fs)

Gene: HOXD13 (homeobox D13; plus strand). Cytogenetic location: 2q31.1.
Variant type: Deletion.
Coding change: c.56_57del on transcript NM_000523.4 (MANE Select); coding-DNA positions 56 to 57, 2 bases deleted (CC; older notation c.56_57delCC).
Protein change: p.Ala19fs; shifts the reading frame from alanine 19.
Molecular consequence: frameshift variant.
Genome position (GRCh38, 1-based): chr2:176,092,946-176,092,947, CC deleted. VCF-style (leftmost placement, unchanged base first): chr2-176092945-GCC-G. GRCh37 (hg19) VCF-style: chr2-176957673-GCC-G.
Other names: short protein forms A19fs.
Identifiers: ClinVar variation 4975025 (VCV004975025.1).